The following is an entry in ClinVar:

ClinVar aggregate classification (germline): Benign. Review status: criteria provided, multiple submitters, no conflicts (2 of 4 stars). 3 submissions from 3 submitters: Benign (2). 1 of the submissions does not count toward it. Last evaluated 2018-10-17.

Conditions:
MYH8-related disorder. Also called: MYH8-related condition.

Allele frequency attached by ClinVar (database versions not stated): gnomAD exomes 0.00015 and 0.00035; ExAC 0.00034; 1000 Genomes Project 0.00080; 1000 Genomes Project 30x 0.00094; ESP Exome Variant Server 0.00100; gnomAD 0.00135 and 0.00143; TOPMed 0.00161.
gnomAD v4.1: 420 of 1,614,114 alleles (0.026%); highest among the groups gnomAD compares: African/African-American, 0.48%; 4 homozygotes.

Submissions (3):

Labcorp Genetics (formerly Invitae), Labcorp
Classification: Benign. Last evaluated: 2018-10-17. Review status: criteria provided, single submitter. Criteria: Invitae Variant Classification Sherloc (09022015). Collection method: clinical testing. Allele origin: germline.

Breakthrough Genomics
Classification: Benign. Review status: criteria provided, single submitter. Criteria: ACMG Guidelines, 2015. Collection method: not provided. Allele origin: germline. Inheritance: Autosomal dominant inheritance. Affected: yes.

PreventionGenetics, part of Exact Sciences
Classification: Likely benign for MYH8-related condition. Last evaluated: 2019-02-18. Review status: no assertion criteria provided. Collection method: clinical testing. Allele origin: germline. Not counted in ClinVar's aggregate classification.
Comment: This variant is classified as likely benign based on ACMG/AMP sequence variant interpretation guidelines (Richards et al. 2015 PMID: 25741868, with internal and published modifications).

NM_002472.3(MYH8):c.5508T>C (p.Asn1836=)

Genes: MYH8 (myosin heavy chain 8; minus strand), MYHAS (myosin heavy chain gene cluster antisense RNA; plus strand), LOC126862493 (BRD4-independent group 4 enhancer GRCh37_chr17:10295275-10296474; plus strand). Cytogenetic location: 17p13.1.
Variant type: single nucleotide variant.
Coding change: c.5508T>C on transcript NM_002472.3 (MANE Select); coding-DNA position 5508, T replaced by C.
Protein change: p.Asn1836=; no amino-acid change (asparagine 1836 retained).
Molecular consequence: synonymous variant.
Genome position (GRCh38, 1-based): chr17:10,392,602, A>G on the plus strand (T>C on the coding strand, the complement: MYH8 is on the minus strand). VCF-style: chr17-10392602-A-G. GRCh37 (hg19) VCF-style: chr17-10295919-A-G.
Identifiers: ClinVar variation 720755 (VCV000720755.6), dbSNP rs148958015, ClinGen allele CA8387013.